The following is an entry in ClinVar:

NM_022552.5(DNMT3A):c.-7C>T

Gene: DNMT3A (DNA methyltransferase 3 alpha; minus strand). Cytogenetic location: 2p23.3.
Variant type: single nucleotide variant.
Coding change: c.-7C>T on transcript NM_022552.5 (MANE Select); 7 bases upstream of the start codon, C replaced by T.
Molecular consequence: 5 prime UTR variant. On other transcripts: non-coding transcript variant (1).
Genome position (GRCh38, 1-based): chr2:25,313,991, G>A on the plus strand (C>T on the coding strand, the complement: DNMT3A is on the minus strand). VCF-style: chr2-25313991-G-A. GRCh37 (hg19) VCF-style: chr2-25536860-G-A.
Other names: c.-7C>T (NM_001320892.2, NM_175629.2, NM_175630.1).
Identifiers: ClinVar variation 3054473 (VCV003054473.2), dbSNP rs756359070, ClinGen allele CA44279230.

ClinVar aggregate classification (germline): Likely benign (0 of 4 stars; one submission).

Conditions:
DNMT3A-related disorder. Also called: DNMT3A-related condition; DNMT3A-related disorders.

Allele frequency attached by ClinVar (database versions not stated): gnomAD exomes 0.00001; gnomAD 0.00003; TOPMed 0.00003.
gnomAD v4.1: 24 of 1,540,472 alleles (0.0016%); highest among the groups gnomAD compares: African/African-American, 0.0027%; no homozygotes.

Submission:

PreventionGenetics, part of Exact Sciences
Classification: Likely benign for DNMT3A-related condition. Last evaluated: 2024-02-07. Review status: no assertion criteria provided. Collection method: clinical testing. Allele origin: germline.
Comment: This variant is classified as likely benign based on ACMG/AMP sequence variant interpretation guidelines (Richards et al. 2015 PMID: 25741868, with internal and published modifications).